The following is an entry in ClinVar:

ClinVar aggregate classification (germline): Uncertain significance (1 of 4 stars; one submission).

Conditions:
Hereditary cancer-predisposing syndrome. Also called: Hereditary neoplastic syndrome; Hereditary Cancer Syndrome; Tumor predisposition; Neoplastic Syndromes, Hereditary. Identifiers: Orphanet 140162, MedGen C0027672, MeSH D009386, MONDO:0015356.

Submission:

Labcorp Genetics (formerly Invitae), Labcorp
Classification: Uncertain significance for Hereditary cancer-predisposing syndrome. Last evaluated: 2021-03-28. Review status: criteria provided, single submitter. Criteria: Invitae Variant Classification Sherloc (09022015). Collection method: clinical testing. Allele origin: germline.
Comment: In summary, the available evidence is currently insufficient to determine the role of this variant in disease. Therefore, it has been classified as a Variant of Uncertain Significance. Algorithms developed to predict the effect of missense changes on protein structure and function (SIFT, PolyPhen-2, Align-GVGD) all suggest that this variant is likely to be tolerated, but these predictions have not been confirmed by published functional studies and their clinical significance is uncertain. This variant has not been reported in the literature in individuals with RAD50-related conditions. This variant is not present in population databases (ExAC no frequency). This sequence change replaces alanine with proline at codon 512 of the RAD50 protein (p.Ala512Pro). The alanine residue is moderately conserved and there is a small physicochemical difference between alanine and proline.

NM_005732.4(RAD50):c.1534G>C (p.Ala512Pro)

Gene: RAD50 (RAD50 double strand break repair protein; plus strand). Cytogenetic location: 5q31.1.
Variant type: single nucleotide variant.
Coding change: c.1534G>C on transcript NM_005732.4 (MANE Select); coding-DNA position 1534, G replaced by C.
Protein change: p.Ala512Pro; replaces alanine 512 with proline.
Molecular consequence: missense variant.
Genome position (GRCh38, 1-based): chr5:132,591,305, G>C. VCF-style: chr5-132591305-G-C. GRCh37 (hg19) VCF-style: chr5-131926997-G-C.
Other names: short protein forms A512P.
Identifiers: ClinVar variation 1520830 (VCV001520830.8), dbSNP rs147366706, ClinGen allele CA360945750.